The following is an entry in ClinVar:

ClinVar aggregate classification (germline): Benign/Likely benign. Review status: criteria provided, multiple submitters, no conflicts (2 of 4 stars). 3 submissions from 3 submitters: Benign (1); Likely benign (2). Last evaluated 2026-04-01.

Allele frequency attached by ClinVar (database versions not stated): 1000 Genomes Project 0.00140; 1000 Genomes Project 30x 0.00156; TOPMed 0.00356; ESP Exome Variant Server 0.00369; gnomAD 0.00383.
gnomAD v4.1: 8,288 of 1,609,842 alleles (0.51%); highest among the groups gnomAD compares: Non-Finnish European, 0.64%; 28 homozygotes.

Submissions (3):

CeGaT Center for Human Genetics Tuebingen
Classification: Likely benign. Last evaluated: 2026-04-01. Review status: criteria provided, single submitter. Criteria: CeGaT Center For Human Genetics Tuebingen Variant Classification Criteria Version 2. Collection method: clinical testing. Allele origin: germline. Affected: yes. Observed: 5 variant alleles.
Comment: SMO: BP4, BP7, BS2

GeneDx
Classification: Likely benign. Last evaluated: 2021-03-12. Review status: criteria provided, single submitter. Criteria: GeneDx Variant Classification Process June 2021. Collection method: clinical testing. Allele origin: germline. Affected: yes.

Labcorp Genetics (formerly Invitae), Labcorp
Classification: Benign. Last evaluated: 2019-12-31. Review status: criteria provided, single submitter. Criteria: Invitae Variant Classification Sherloc (09022015). Collection method: clinical testing. Allele origin: germline.

NM_005631.5(SMO):c.735G>A (p.Thr245=)

Gene: SMO (smoothened, frizzled class receptor; plus strand). Cytogenetic location: 7q32.1.
Variant type: single nucleotide variant.
Coding change: c.735G>A on transcript NM_005631.5 (MANE Select); coding-DNA position 735, G replaced by A.
Protein change: p.Thr245=; no amino-acid change (threonine 245 retained).
Molecular consequence: synonymous variant.
Genome position (GRCh38, 1-based): chr7:129,205,400, G>A. VCF-style: chr7-129205400-G-A. GRCh37 (hg19) VCF-style: chr7-128845241-G-A.
Identifiers: ClinVar variation 787868 (VCV000787868.36), dbSNP rs45541540, ClinGen allele CA4479177.